The following is an entry in ClinVar:

NM_000138.5(FBN1):c.4483A>G (p.Thr1495Ala)

Gene: FBN1 (fibrillin 1; minus strand). Cytogenetic location: 15q21.1.
Variant type: single nucleotide variant.
Coding change: c.4483A>G on transcript NM_000138.5 (MANE Select); coding-DNA position 4483, A replaced by G.
Protein change: p.Thr1495Ala; replaces threonine 1495 with alanine.
Molecular consequence: missense variant.
Genome position (GRCh38, 1-based): chr15:48,468,511, T>C on the plus strand (A>G on the coding strand, the complement: FBN1 is on the minus strand). VCF-style: chr15-48468511-T-C. GRCh37 (hg19) VCF-style: chr15-48760708-T-C.
Other names: c.4483A>G, p.Thr1495Ala (NM_001406716.1); short protein forms T1495A.
Identifiers: ClinVar variation 4758872 (VCV004758872.2).

ClinVar aggregate classification (germline): Uncertain significance. Review status: criteria provided, multiple submitters, no conflicts (2 of 4 stars). 2 submissions from 2 submitters: Uncertain significance (2). Last evaluated 2026-05-22.

Conditions:
FBN1-related disorder. Also called: FBN1-related disorders.
Familial thoracic aortic aneurysm and aortic dissection (TAAD). Also called: Thoracic aortic aneurysms and dissections. Identifiers: Orphanet 91387, MedGen C4707243, MONDO:0019625.

Submissions (2):

PreventionGenetics, part of Exact Sciences
Classification: Uncertain significance for FBN1-related condition. Last evaluated: 2026-05-22. Review status: criteria provided, single submitter. Criteria: ACMG Guidelines, 2015. Collection method: clinical testing. Allele origin: germline.
Comment: The FBN1 c.4483A>G variant is predicted to result in the amino acid substitution p.Thr1495Ala. To our knowledge, this variant has not been reported in the literature or in a large population database (gnomAD), indicating this variant is rare. At this time, the clinical significance of this variant is uncertain due to the absence of conclusive functional and genetic evidence.

Color Diagnostics, LLC DBA Color Health
Classification: Uncertain significance for Familial thoracic aortic aneurysm and aortic dissection. Last evaluated: 2025-07-14. Review status: criteria provided, single submitter. Criteria: ACMG Guidelines, 2015. Collection method: clinical testing. Allele origin: germline.
Comment: This missense variant replaces threonine with alanine at codon 1495 of the FBN1 protein. Computational prediction is inconclusive regarding the impact of this variant on protein structure and function. To our knowledge, functional studies have not been reported for this variant. This variant has not been reported in individuals affected with FBN1-related disorders in the literature. This variant has not been identified in the general population by the Genome Aggregation Database (gnomAD). The available evidence is insufficient to determine the role of this variant in disease conclusively. Therefore, this variant is classified as a Variant of Uncertain Significance.